The following is an entry in ClinVar:

ClinVar aggregate classification (germline): Uncertain significance (1 of 4 stars; one submission).

Allele frequency attached by ClinVar (database versions not stated): gnomAD exomes below 0.00001.

Submission:

Labcorp Genetics (formerly Invitae), Labcorp
Classification: Uncertain significance. Last evaluated: 2022-08-06. Review status: criteria provided, single submitter. Criteria: Invitae Variant Classification Sherloc (09022015). Collection method: clinical testing. Allele origin: germline.
Comment: In summary, the available evidence is currently insufficient to determine the role of this variant in disease. Therefore, it has been classified as a Variant of Uncertain Significance. Algorithms developed to predict the effect of missense changes on protein structure and function (SIFT, PolyPhen-2, Align-GVGD) all suggest that this variant is likely to be tolerated. This variant has not been reported in the literature in individuals affected with PYROXD1-related conditions. This variant is not present in population databases (gnomAD no frequency). This sequence change replaces tyrosine, which is neutral and polar, with histidine, which is basic and polar, at codon 267 of the PYROXD1 protein (p.Tyr267His).

NM_024854.5(PYROXD1):c.799T>C (p.Tyr267His)

Gene: PYROXD1 (pyridine nucleotide-disulphide oxidoreductase domain 1; plus strand). Cytogenetic location: 12p12.1.
Variant type: single nucleotide variant.
Coding change: c.799T>C on transcript NM_024854.5 (MANE Select); coding-DNA position 799, T replaced by C.
Protein change: p.Tyr267His; replaces tyrosine 267 with histidine.
Molecular consequence: missense variant.
Genome position (GRCh38, 1-based): chr12:21,461,073, T>C. VCF-style: chr12-21461073-T-C. GRCh37 (hg19) VCF-style: chr12-21614007-T-C.
Other names: c.586T>C, p.Tyr196His (NM_001350912.2); c.22T>C, p.Tyr8His (NM_001350913.2); short protein forms Y196H, Y8H, Y267H.
Identifiers: ClinVar variation 1943504 (VCV001943504.5), dbSNP rs2540271434, ClinGen allele CA384109202.